The following is an entry in ClinVar:

NM_000264.5(PTCH1):c.921dup (p.Ala308fs)

Gene: PTCH1 (patched 1; minus strand). Cytogenetic location: 9q22.32.
Variant type: Duplication.
Coding change: c.921dup on transcript NM_000264.5 (MANE Select); coding-DNA position 921, one base duplicated (A; older notation c.921dupA).
Protein change: p.Ala308fs; shifts the reading frame from alanine 308.
Molecular consequence: frameshift variant. On other transcripts: non-coding transcript variant (1).
Genome position (GRCh38, 1-based): chr9:95,480,414, T duplicated on the plus strand (A on the coding strand, the reverse complement: PTCH1 is on the minus strand). VCF-style (leftmost placement, unchanged base first): chr9-95480413-C-CT. GRCh37 (hg19) VCF-style: chr9-98242695-C-CT.
Other names: c.921dupA (NM_000264.3); c.723dup, p.Ala242fs (NM_001083602.3); c.918dup, p.Ala307fs (NM_001083603.3); c.468dup, p.Ala157fs (NM_001083604.3, NM_001083605.3, NM_001083606.3 and 1 more transcripts); c.921dup, p.Ala308fs (NM_001354918.2); short protein forms A242fs, A157fs, A307fs, A308fs.
Identifiers: ClinVar variation 453918 (VCV000453918.9), dbSNP rs1554699837, ClinGen allele CA658656054.

ClinVar aggregate classification (germline): Pathogenic (1 of 4 stars; one submission).

Conditions:
Gorlin syndrome. Also called: Basal cell nevus syndrome; Nevoid Basal Cell Carcinoma Syndrome. Identifiers: Orphanet 377, MedGen C0004779, MONDO:0007187.

Submission:

Labcorp Genetics (formerly Invitae), Labcorp
Classification: Pathogenic for Gorlin syndrome. Last evaluated: 2017-04-18. Review status: criteria provided, single submitter. Criteria: Invitae Variant Classification Sherloc (09022015). Collection method: clinical testing. Allele origin: germline.
Comment: This sequence change inserts 1 nucleotide in exon 6 of the PTCH1 mRNA (c.921dupA), causing a frameshift at codon 308. This creates a premature translational stop signal (p.Ala308Serfs*11) and is expected to result in an absent or disrupted protein product. For these reasons, this variant has been classified as Pathogenic. Loss-of-function variants in PTCH1 are known to be pathogenic. This particular variant has been reported in the literature in a family affected with Gorlin syndrome (PMID: 16301862). This variant is also known as codon 307insA in the literature.

Literature cited by the submitters: PubMed 16301862.